The following is an entry in ClinVar:

ClinVar aggregate classification (germline): Uncertain significance (1 of 4 stars; one submission).

Conditions:
EGFR-related lung cancer (EGFR). Identifiers: MedGen CN130014.

Submission:

Labcorp Genetics (formerly Invitae), Labcorp
Classification: Uncertain significance for EGFR-related lung cancer. Last evaluated: 2022-06-20. Review status: criteria provided, single submitter. Criteria: Invitae Variant Classification Sherloc (09022015). Collection method: clinical testing. Allele origin: germline.
Comment: This variant is not present in population databases (gnomAD no frequency). This sequence change falls in intron 5 of the EGFR gene. It does not directly change the encoded amino acid sequence of the EGFR protein. It affects a nucleotide within the consensus splice site. This variant has not been reported in the literature in individuals affected with EGFR-related conditions. ClinVar contains an entry for this variant (Variation ID: 1019807). Variants that disrupt the consensus splice site are a relatively common cause of aberrant splicing (PMID: 17576681, 9536098). Algorithms developed to predict the effect of sequence changes on RNA splicing suggest that this variant may disrupt the consensus splice site. In summary, the available evidence is currently insufficient to determine the role of this variant in disease. Therefore, it has been classified as a Variant of Uncertain Significance.

Literature cited by the submitters: PubMed 17576681; PubMed 9536098.

NM_005228.5(EGFR):c.628+6T>A

Gene: EGFR (epidermal growth factor receptor; plus strand). Cytogenetic location: 7p11.2.
Variant type: single nucleotide variant.
Coding change: c.628+6T>A on transcript NM_005228.5 (MANE Select); 6 bases into the intron after coding-DNA position 628, T replaced by A.
Molecular consequence: intron variant.
Genome position (GRCh38, 1-based): chr7:55,151,368, T>A. VCF-style: chr7-55151368-T-A. GRCh37 (hg19) VCF-style: chr7-55219061-T-A.
Other names: c.493+6T>A (NM_001346899.2, NM_001346897.2); c.89-4462T>A (NM_001346941.2); c.628+6T>A (NM_001346898.2, NM_201284.2, NM_201282.2 and 1 more transcripts); c.469+6T>A (NM_001346900.2).
Identifiers: ClinVar variation 1019807 (VCV001019807.8), dbSNP rs1785141015, ClinGen allele CA1708910452.
Genomic context (GRCh38, chr7:55,151,368, plus strand): 5'-CCAAGCTGTCCCAATGGGAGCTGCTGGGGTGCAGGAGAGGAGAACTGCCAGAAACGTAAG[T>A]CAGTGAACAGCCTCAGACCCATGTGTGACCGCCCCTCTCTTCCTTCACTTGCTTAGGTGA-3'